The following is an entry in ClinVar:

ClinVar aggregate classification (germline): Benign. Review status: criteria provided, multiple submitters, no conflicts (2 of 4 stars). 2 submissions from 2 submitters: Benign (2). Last evaluated 2018-01-12.

Conditions:
Charcot-Marie-Tooth disease type 4H (CMT4H). Also called: CHARCOT-MARIE-TOOTH DISEASE, AUTOSOMAL RECESSIVE, TYPE 4H; CHARCOT-MARIE-TOOTH DISEASE, DEMYELINATING, AUTOSOMAL RECESSIVE, TYPE 4H; CHARCOT-MARIE-TOOTH NEUROPATHY, TYPE 4H; CHARCOT-MARIE-TOOTH DISEASE, DEMYELINATING, TYPE 4H. Identifiers: Orphanet 99954, MedGen C1836336, MONDO:0012250, OMIM 609311.

Allele frequency attached by ClinVar (database versions not stated): gnomAD 0.00933 and 0.01090; TOPMed 0.01013; 1000 Genomes Project 30x 0.01671; 1000 Genomes Project 0.01837.

Submissions (3):

Illumina Laboratory Services, Illumina
Classification: Benign for Charcot-Marie-Tooth disease type 4H. Last evaluated: 2018-01-12. Review status: criteria provided, single submitter. Criteria: ICSL Variant Classification Criteria 13 December 2019. Collection method: clinical testing. Allele origin: germline.
Comment: This variant was observed in the ICSL laboratory as part of a predisposition screen in an ostensibly healthy population. It had not been previously curated by ICSL or reported in the Human Gene Mutation Database (HGMD: prior to June 1st, 2018), and was therefore a candidate for classification through an automated scoring system. Utilizing variant allele frequency, disease prevalence and penetrance estimates, and inheritance mode, an automated score was calculated to assess if this variant is too frequent to cause the disease. Based on the score and internal cut-off values, a variant classified as benign is not then subjected to further curation. The score for this variant resulted in a classification of benign for this disease.

Breakthrough Genomics
Classification: Benign. Review status: criteria provided, single submitter. Criteria: ACMG Guidelines, 2015. Collection method: not provided. Allele origin: germline. Inheritance: Autosomal recessive inheritance. Affected: yes.

Dr. Peter K. Rogan Lab, Western University
No classification provided (evidence only). Condition: Acute myeloid leukemia. Review status: no classification provided. Collection method: in vitro. Allele origin: not applicable. Functional consequence: retained intron. Not counted in ClinVar's aggregate classification.

NM_001370298.3(FGD4):c.*4063A>G

Gene: FGD4 (FYVE, RhoGEF and PH domain containing 4; plus strand). Cytogenetic location: 12p11.21.
Variant type: single nucleotide variant.
Coding change: c.*4063A>G on transcript NM_001370298.3 (MANE Select); 4063 bases downstream of the stop codon, A replaced by G.
Molecular consequence: 3 prime UTR variant. On other transcripts: missense variant (3).
Genome position (GRCh38, 1-based): chr12:32,644,596, A>G. VCF-style: chr12-32644596-A-G. GRCh37 (hg19) VCF-style: chr12-32797530-A-G.
Other names: NC_000012.11:g.32797530A>G; c.*4063A>G (NM_001304481.2, NM_001304484.2, NM_001330373.2 and 5 more transcripts); c.2635A>G, p.Arg879Gly (NM_001384126.1); c.2224A>G, p.Arg742Gly (NM_001384127.1, NM_001384128.1); short protein forms R742G, R879G.
Identifiers: ClinVar variation 308356 (VCV000308356.7), dbSNP rs62642552, ClinGen allele CA10641901.